The following is an entry in ClinVar:

NM_000153.4(GALC):c.592G>A (p.Glu198Lys)

Gene: GALC (galactosylceramidase; minus strand). Cytogenetic location: 14q31.3.
Variant type: single nucleotide variant.
Coding change: c.592G>A on transcript NM_000153.4 (MANE Select); coding-DNA position 592, G replaced by A.
Protein change: p.Glu198Lys; replaces glutamic acid 198 with lysine.
Molecular consequence: missense variant.
Genome position (GRCh38, 1-based): chr14:87,982,234, C>T on the plus strand (G>A on the coding strand, the complement: GALC is on the minus strand). VCF-style: chr14-87982234-C-T. GRCh37 (hg19) VCF-style: chr14-88448578-C-T.
Other names: c.592G>A (NM_000153.3); c.523G>A, p.Glu175Lys (NM_001201401.2); c.514G>A, p.Glu172Lys (NM_001201402.2); short protein forms E198K, E172K, E175K.
Identifiers: ClinVar variation 592248 (VCV000592248.13), dbSNP rs909979938, ClinGen allele CA264710625.

ClinVar aggregate classification (germline): Conflicting classifications of pathogenicity. Review status: criteria provided, conflicting classifications (1 of 4 stars). 5 submissions from 5 submitters: Pathogenic (1); Likely pathogenic (3); Uncertain significance (1). Last evaluated 2025-09-02.

Conditions:
Galactosylceramide beta-galactosidase deficiency. Also called: Krabbe Disease; GALACTOCEREBROSIDASE DEFICIENCY; GALC DEFICIENCY; GLOBOID CELL LEUKOENCEPHALOPATHY; Leukodystrophy, Globoid Cell. Identifiers: Orphanet 487, MedGen C0023521, MONDO:0009499, OMIM 245200.

Allele frequency attached by ClinVar (database versions not stated): gnomAD 0.00001; TOPMed 0.00001.
gnomAD v4.1: 8 of 1,582,844 alleles (0.00051%); highest among the groups gnomAD compares: African/African-American, 0.0013%; no homozygotes.

Submissions (5):

Natera, Inc.
Classification: Likely pathogenic for Galactosylceramide beta-galactosidase deficiency. Last evaluated: 2025-09-02. Review status: criteria provided, single submitter. Criteria: Natera Variant Classification Schema (03/2026). Collection method: clinical testing. Allele origin: germline.
Comment: The c.592G>A variant in GALC is a missense variant predicted to cause substitution of glutamic acid to lysine at amino acid 198. This variant is rare in the general population with a frequency below the threshold expected for the associated phenotype(s). This variant has been observed in one or more individuals affected with the associated recessive disease, as either homozygous or compound heterozygous with a second variant (PMID: 30777126, 26915362). Functional studies show that this variant may disrupt protein function (PMID: 27638593). Computational prediction algorithms indicate this variant is likely to affect gene or protein function. Given the available evidence, this variant is classified as Likely Pathogenic.

Myriad Genetics, Inc.
Classification: Likely pathogenic for Galactosylceramide beta-galactosidase deficiency. Last evaluated: 2025-05-15. Review status: criteria provided, single submitter. Criteria: Myriad Autosomal Dominant, Autosomal Recessive and X-Linked Classification Criteria (2023). Collection method: clinical testing. Allele origin: unknown.
Comment: NM_000153.3(GALC):c.592G>A(E198K) is a missense variant classified as likely pathogenic in the context of Krabbe disease. E198K has been observed in cases with relevant disease (PMID: 26915362, 30777126, 38730490). Relevant functional assessments of this variant are available in the literature (PMID: 27638593). Internal structural analysis of the variant is supportive of pathogenicity. E198K has not been observed in referenced population frequency databases. In summary, NM_000153.3(GALC):c.592G>A(E198K) is a missense variant that has both functional and internal structural support for pathogenicity and has been observed more frequently in cases with the relevant disease than in healthy populations. Please note: this variant was assessed in the context of healthy population screening.

Labcorp Genetics (formerly Invitae), Labcorp
Classification: Pathogenic for Galactosylceramide beta-galactosidase deficiency. Last evaluated: 2025-01-11. Review status: criteria provided, single submitter. Criteria: Invitae Variant Classification Sherloc (09022015). Collection method: clinical testing. Allele origin: germline.
Comment: This sequence change replaces glutamic acid, which is acidic and polar, with lysine, which is basic and polar, at codon 198 of the GALC protein (p.Glu198Lys). This variant is not present in population databases (gnomAD no frequency). This missense change has been observed in individual(s) with Krabbe disease (PMID: 26915362, 30777126). This variant is also known as c.544G>A. ClinVar contains an entry for this variant (Variation ID: 592248). Invitae Evidence Modeling of protein sequence and biophysical properties (such as structural, functional, and spatial information, amino acid conservation, physicochemical variation, residue mobility, and thermodynamic stability) indicates that this missense variant is expected to disrupt GALC protein function with a positive predictive value of 95%. Experimental studies have shown that this missense change affects GALC function (PMID: 27638593). This variant disrupts the p.Glu198 amino acid residue in GALC. Other variant(s) that disrupt this residue have been determined to be pathogenic (internal data). This suggests that this residue is clinically significant, and that variants that disrupt this residue are likely to be disease-causing. For these reasons, this variant has been classified as Pathogenic.

Eurofins Ntd Llc (ga)
Classification: Uncertain significance. Last evaluated: 2018-05-15. Review status: criteria provided, single submitter. Criteria: EGL ClinVar v180209 classification definitions. Collection method: clinical testing. Allele origin: germline. Observed: 2 variant alleles, 2 heterozygotes.

Suma Genomics
Classification: Likely pathogenic for Galactosylceramide beta-galactosidase deficiency. Review status: criteria provided, single submitter. Criteria: ACMG Guidelines, 2015. Collection method: clinical testing. Allele origin: inherited. Inheritance: Autosomal recessive inheritance. Affected: yes.

Literature cited by the submitters: PubMed 30777126 (cited by 3 submitters); PubMed 26915362 (cited by 3 submitters); PubMed 27638593 (cited by 3 submitters); PubMed 38730490 (cited by Myriad Genetics, Inc.).